The following is an entry in ClinVar:

NM_004260.4(RECQL4):c.2408G>A (p.Gly803Asp)

Gene: RECQL4 (RecQ like helicase 4; minus strand). Cytogenetic location: 8q24.3.
Variant type: single nucleotide variant.
Coding change: c.2408G>A on transcript NM_004260.4 (MANE Select); coding-DNA position 2408, G replaced by A.
Protein change: p.Gly803Asp; replaces glycine 803 with aspartic acid.
Molecular consequence: missense variant.
Genome position (GRCh38, 1-based): chr8:144,513,273, C>T on the plus strand (G>A on the coding strand, the complement: RECQL4 is on the minus strand). VCF-style: chr8-144513273-C-T. GRCh37 (hg19) VCF-style: chr8-145738656-C-T.
Other names: c.2408G>A (NM_004260.3); c.2408G>A, p.Gly803Asp (NM_001413019.1, NM_001413036.1); c.2312G>A, p.Gly771Asp (NM_001413020.1); c.1337G>A, p.Gly446Asp (NM_001413021.1, NM_001413022.1, NM_001413023.1 and 5 more transcripts); c.2279G>A, p.Gly760Asp (NM_001413025.1); c.1271G>A, p.Gly424Asp (NM_001413027.1, NM_001413030.1, NM_001413032.1 and 1 more transcripts); c.2057G>A, p.Gly686Asp (NM_001413029.1); c.1139G>A, p.Gly380Asp (NM_001413031.1); and 5 more; short protein forms G380D, G436D, G686D, G759D, G760D, G446D, G771D, G424D.
Identifiers: ClinVar variation 2129888 (VCV002129888.5), dbSNP rs1310066948, ClinGen allele CA372678166.

ClinVar aggregate classification (germline): Uncertain significance. Review status: criteria provided, multiple submitters, no conflicts (2 of 4 stars). 2 submissions from 2 submitters: Uncertain significance (2). Last evaluated 2025-01-24.

Conditions:
Inborn genetic diseases. Identifiers: MedGen C0950123, MeSH D030342.
Baller-Gerold syndrome (BGS). Also called: CRANIOSYNOSTOSIS WITH RADIAL DEFECTS. Identifiers: Orphanet 1225, MedGen C0265308, MONDO:0009039, OMIM 218600.

Allele frequency attached by ClinVar (database versions not stated): gnomAD exomes below 0.00001.
gnomAD v4.1: 1 of 1,596,238 alleles (0.000063%); highest among the groups gnomAD compares: Non-Finnish European, 0.000085%; no homozygotes.

Submissions (2):

Ambry Genetics
Classification: Uncertain significance for Inborn genetic diseases. Last evaluated: 2025-01-24. Review status: criteria provided, single submitter. Criteria: Ambry Variant Classification Scheme 2023. Collection method: clinical testing. Allele origin: germline.
Comment: The p.G803D variant (also known as c.2408G>A), located in coding exon 14 of the RECQL4 gene, results from a G to A substitution at nucleotide position 2408. The glycine at codon 803 is replaced by aspartic acid, an amino acid with similar properties. This amino acid position is conserved. In addition, this alteration is predicted to be deleterious by in silico analysis. Based on the available evidence, the clinical significance of this variant remains unclear.

Labcorp Genetics (formerly Invitae), Labcorp
Classification: Uncertain significance for Baller-Gerold syndrome. Last evaluated: 2022-12-04. Review status: criteria provided, single submitter. Criteria: Invitae Variant Classification Sherloc (09022015). Collection method: clinical testing. Allele origin: germline.
Comment: In summary, the available evidence is currently insufficient to determine the role of this variant in disease. Therefore, it has been classified as a Variant of Uncertain Significance. Advanced modeling of protein sequence and biophysical properties (such as structural, functional, and spatial information, amino acid conservation, physicochemical variation, residue mobility, and thermodynamic stability) performed at Invitae indicates that this missense variant is expected to disrupt RECQL4 protein function. This variant has not been reported in the literature in individuals affected with RECQL4-related conditions. This variant is not present in population databases (gnomAD no frequency). This sequence change replaces glycine, which is neutral and non-polar, with aspartic acid, which is acidic and polar, at codon 803 of the RECQL4 protein (p.Gly803Asp).